The following is an entry in ClinVar:

NM_001360016.2(G6PD):c.193A>G (p.Thr65Ala)

Gene: G6PD (glucose-6-phosphate dehydrogenase; minus strand). Cytogenetic location: Xq28.
Variant type: single nucleotide variant.
Coding change: c.193A>G on transcript NM_001360016.2 (MANE Select); coding-DNA position 193, A replaced by G.
Protein change: p.Thr65Ala; replaces threonine 65 with alanine.
Molecular consequence: missense variant.
Genome position (GRCh38, 1-based): chrX:154,536,011, T>C on the plus strand (A>G on the coding strand, the complement: G6PD is on the minus strand). VCF-style: chrX-154536011-T-C. GRCh37 (hg19) VCF-style: chrX-153764226-T-C.
Other names: G6PD Mexico DF; c.283A>G, p.Thr95Ala (NM_000402.4); c.193A>G, p.Thr65Ala (NM_001042351.3); short protein forms T95A, T65A.
Identifiers: ClinVar variation 567932 (VCV000567932.11), dbSNP rs199474830, ClinGen allele CA337318611.

ClinVar aggregate classification (germline): Conflicting classifications of pathogenicity. Review status: criteria provided, conflicting classifications (1 of 4 stars). 2 submissions from 2 submitters: Likely pathogenic (1); Uncertain significance (1). Last evaluated 2022-08-12.

Conditions:
Anemia, nonspherocytic hemolytic, due to G6PD deficiency (CNSHA1). Also called: Class I glucose-6-phosphate dehydrogenase deficiency; Favism, susceptibility to; ANEMIA, CONGENITAL, NONSPHEROCYTIC HEMOLYTIC, 1; Hemolytic anemia due to G6PD deficiency. Identifiers: Orphanet 466026, MedGen C2720289, MONDO:0010480, OMIM 300908.

Submissions (2):

Dunham Lab, University of Washington
Classification: Likely pathogenic for Anemia, nonspherocytic hemolytic, due to G6PD deficiency. Last evaluated: 2022-08-12. Review status: criteria provided, single submitter. Criteria: Bayesian ACMG Guidelines, 2018. Collection method: curation. Allele origin: unknown. Affected: yes.
Comment: Decreased activity in red blood cells of hemizygote and when expressed in E. coli (PS3). Not observed in gnomAD (PM2). Polyphen predicts as probably damaging, and further structural investigation indicates disruption of beta-alpha-beta motif and NADP binding site (PP3). Post_P 0.975 (odds of pathogenicity 350.3, Prior_P 0.1).

Labcorp Genetics (formerly Invitae), Labcorp
Classification: Uncertain significance for Anemia, nonspherocytic hemolytic, due to G6PD deficiency. Last evaluated: 2018-04-04. Review status: criteria provided, single submitter. Criteria: Invitae Variant Classification Sherloc (09022015). Collection method: clinical testing. Allele origin: germline.
Comment: In summary, the available evidence is currently insufficient to determine the role of this variant in disease. Therefore, it has been classified as a Variant of Uncertain Significance. Algorithms developed to predict the effect of missense changes on protein structure and function do not agree on the potential impact of this missense change (SIFT: "Tolerated"; PolyPhen-2: "Possibly Damaging"; Align-GVGD: "Class C0"). This variant has been reported in an individual affected with G6PD deficiency (PMID: 25189226). This variant is not present in population databases (ExAC no frequency). This sequence change replaces threonine with alanine at codon 65 of the G6PD protein (p.Thr65Ala). The threonine residue is highly conserved and there is a small physicochemical difference between threonine and alanine.

Literature cited by the submitters: PubMed 25189226 (cited by Dunham Lab, University of Washington and Labcorp Genetics (formerly Invitae), Labcorp); PubMed 30096395 (cited by Dunham Lab, University of Washington).